The following is an entry in ClinVar:

NM_015046.7(SETX):c.4445A>G (p.Glu1482Gly)

Gene: SETX (senataxin; minus strand). Cytogenetic location: 9q34.13.
Variant type: single nucleotide variant.
Coding change: c.4445A>G on transcript NM_015046.7 (MANE Select); coding-DNA position 4445, A replaced by G.
Protein change: p.Glu1482Gly; replaces glutamic acid 1482 with glycine.
Molecular consequence: missense variant.
Genome position (GRCh38, 1-based): chr9:132,327,153, T>C on the plus strand (A>G on the coding strand, the complement: SETX is on the minus strand). VCF-style: chr9-132327153-T-C. GRCh37 (hg19) VCF-style: chr9-135202540-T-C.
Other names: c.4445A>G, p.Glu1482Gly (NM_001351527.2, NM_001351528.2); short protein forms E1482G.
Identifiers: ClinVar variation 2063319 (VCV002063319.7), dbSNP rs149362508, ClinGen allele CA5297199.

ClinVar aggregate classification (germline): Conflicting classifications of pathogenicity. Review status: criteria provided, conflicting classifications (1 of 4 stars). 3 submissions from 3 submitters: Uncertain significance (1); Benign (1). 1 of the submissions does not count toward it. Last evaluated 2025-05-15.

Conditions:
Inborn genetic diseases. Identifiers: MedGen C0950123, MeSH D030342.
Amyotrophic lateral sclerosis type 4 (ALS4). Also called: AMYOTROPHIC LATERAL SCLEROSIS 4, JUVENILE; NEURONOPATHY, DISTAL HEREDITARY MOTOR, WITH PYRAMIDAL FEATURES. Identifiers: Orphanet 357043, MedGen C1865409, MONDO:0011223, OMIM 602433.
Spinocerebellar ataxia, autosomal recessive, with axonal neuropathy 2 (SCAN2). Also called: Ataxia-ocular apraxia-2; Ataxia with Oculomotor Apraxia; Ataxia with Oculomotor Apraxia Type 2; ATAXIA-OCULOMOTOR APRAXIA 2. Identifiers: Orphanet 64753, MedGen C1853761, MONDO:0018996, OMIM 606002.
SETX-related disorder. Also called: SETX-related condition; SETX-related disorders. Identifiers: MedGen CN239403.

Allele frequency attached by ClinVar (database versions not stated): gnomAD exomes 0.00001; ExAC 0.00002; gnomAD 0.00005; TOPMed 0.00008; ESP Exome Variant Server 0.00023.
gnomAD v4.1: 15 of 1,614,066 alleles (0.00093%); highest among the groups gnomAD compares: African/African-American, 0.017%; no homozygotes.

Submissions (3):

Labcorp Genetics (formerly Invitae), Labcorp
Classification: Benign for Amyotrophic lateral sclerosis type 4; Spinocerebellar ataxia, autosomal recessive, with axonal neuropathy 2. Last evaluated: 2025-05-15. Review status: criteria provided, single submitter. Criteria: Invitae Variant Classification Sherloc (09022015). Collection method: clinical testing. Allele origin: germline.

Ambry Genetics
Classification: Uncertain significance for Inborn genetic diseases. Last evaluated: 2024-12-05. Review status: criteria provided, single submitter. Criteria: Ambry Variant Classification Scheme 2023. Collection method: clinical testing. Allele origin: germline.

PreventionGenetics, part of Exact Sciences
Classification: Uncertain significance for SETX-related condition. Last evaluated: 2024-01-23. Review status: no assertion criteria provided. Collection method: clinical testing. Allele origin: germline. Not counted in ClinVar's aggregate classification.
Comment: The SETX c.4445A>G variant is predicted to result in the amino acid substitution p.Glu1482Gly. To our knowledge, this variant has not been reported in the literature. This variant is reported in 0.020% of alleles in individuals of African descent in gnomAD. At this time, the clinical significance of this variant is uncertain due to the absence of conclusive functional and genetic evidence.